The following is an entry in ClinVar:

NM_001042492.3(NF1):c.7364T>C (p.Leu2455Pro)

Gene: NF1 (neurofibromin 1; plus strand). Cytogenetic location: 17q11.2.
Variant type: single nucleotide variant.
Coding change: c.7364T>C on transcript NM_001042492.3 (MANE Select); coding-DNA position 7364, T replaced by C.
Protein change: p.Leu2455Pro; replaces leucine 2455 with proline.
Molecular consequence: missense variant.
Genome position (GRCh38, 1-based): chr17:31,350,225, T>C. VCF-style: chr17-31350225-T-C. GRCh37 (hg19) VCF-style: chr17-29677243-T-C.
Other names: c.7301T>C, p.Leu2434Pro (NM_000267.4); short protein forms L2434P, L2455P.
Identifiers: ClinVar variation 484014 (VCV000484014.4), dbSNP rs1555536128, ClinGen allele CA399017032.

ClinVar aggregate classification (germline): Uncertain significance. Review status: criteria provided, multiple submitters, no conflicts (2 of 4 stars). 2 submissions from 2 submitters: Uncertain significance (2). Last evaluated 2025-05-25.

Conditions:
Hereditary cancer-predisposing syndrome. Also called: Hereditary neoplastic syndrome; Neoplastic Syndromes, Hereditary; Tumor predisposition; Hereditary Cancer Syndrome. Identifiers: Orphanet 140162, MedGen C0027672, MeSH D009386, MONDO:0015356.
Neurofibromatosis, type 1 (NF1). Also called: VON RECKLINGHAUSEN DISEASE; Peripheral type neurofibromatosis; NEUROFIBROMATOSIS, TYPE I, SOMATIC; Neurofibromatosis, type I. Identifiers: Orphanet 636, MedGen C0027831, MONDO:0018975, OMIM 162200. Disease mechanism: loss of function.

Submissions (2):

Labcorp Genetics (formerly Invitae), Labcorp
Classification: Uncertain significance for Neurofibromatosis, type 1. Last evaluated: 2025-05-25. Review status: criteria provided, single submitter. Criteria: Invitae Variant Classification Sherloc (09022015). Collection method: clinical testing. Allele origin: germline.
Comment: This sequence change replaces leucine, which is neutral and non-polar, with proline, which is neutral and non-polar, at codon 2434 of the NF1 protein (p.Leu2434Pro). This variant is not present in population databases (gnomAD no frequency). This variant has not been reported in the literature in individuals affected with NF1-related conditions. ClinVar contains an entry for this variant (Variation ID: 484014). Invitae Evidence Modeling of protein sequence and biophysical properties (such as structural, functional, and spatial information, amino acid conservation, physicochemical variation, residue mobility, and thermodynamic stability) indicates that this missense variant is expected to disrupt NF1 protein function with a positive predictive value of 95%. In summary, the available evidence is currently insufficient to determine the role of this variant in disease. Therefore, it has been classified as a Variant of Uncertain Significance.

Ambry Genetics
Classification: Uncertain significance for Hereditary cancer-predisposing syndrome. Last evaluated: 2016-01-11. Review status: criteria provided, single submitter. Criteria: Ambry Autosomal Dominant and X-Linked criteria (10/2015). Collection method: clinical testing. Allele origin: germline. Observed: 1 variant allele.
Comment: The p.L2455P variant (also known as c.7364T>C), located in coding exon 50 of the NF1 gene, results from a T to C substitution at nucleotide position 7364. The leucine at codon 2455 is replaced by proline, an amino acid with similar properties. This variant was not reported in population based cohorts in the following databases: Database of Single Nucleotide Polymorphisms (dbSNP), NHLBI Exome Sequencing Project (ESP), and 1000 Genomes Project. In the ESP, this variant was not observed in 6503 samples (13006 alleles) with coverage at this position. To date, this alteration has been detected with an allele frequency of approximately 0.001% (greater than 110000alleles tested) in our clinical cohort. This amino acid position is highly conserved in available vertebrate species. In addition, the in silico prediction for this alteration is inconclusive.Since supporting evidence is limited at this time, the clinical significance of p.L2455Premains unclear.